The following is an entry in ClinVar:

NM_000455.5(STK11):c.740A>T (p.Asn247Ile)

Gene: STK11 (serine/threonine kinase 11; plus strand). Cytogenetic location: 19p13.3.
Variant type: single nucleotide variant.
Coding change: c.740A>T on transcript NM_000455.5 (MANE Select); coding-DNA position 740, A replaced by T.
Protein change: p.Asn247Ile; replaces asparagine 247 with isoleucine.
Molecular consequence: missense variant.
Genome position (GRCh38, 1-based): chr19:1,221,218, A>T. VCF-style: chr19-1221218-A-T. GRCh37 (hg19) VCF-style: chr19-1221217-A-T.
Other names: short protein forms N247I.
Identifiers: ClinVar variation 490168 (VCV000490168.19), dbSNP rs1555738612, ClinGen allele CA402950330.

ClinVar aggregate classification (germline): Uncertain significance. Review status: criteria provided, multiple submitters, no conflicts (2 of 4 stars). 5 submissions from 5 submitters: Uncertain significance (5). Last evaluated 2024-08-26.

Conditions:
Hereditary cancer-predisposing syndrome. Also called: Tumor predisposition; Neoplastic Syndromes, Hereditary; Hereditary Cancer Syndrome; Hereditary neoplastic syndrome. Identifiers: Orphanet 140162, MedGen C0027672, MeSH D009386, MONDO:0015356.
Peutz-Jeghers syndrome (PJS). Also called: POLYPOSIS, HAMARTOMATOUS INTESTINAL; POLYPS-AND-SPOTS SYNDROME; Peutz-Jeghers polyposis; Periorificial lentiginosis syndrome. Identifiers: Orphanet 2869, MedGen C0031269, MeSH D010580, MONDO:0008280, OMIM 175200.

gnomAD v4.1: 5 of 1,612,048 alleles (0.00031%); highest among the groups gnomAD compares: Non-Finnish European, 0.00042%; no homozygotes.

Submissions (5):

Ambry Genetics
Classification: Uncertain significance for Hereditary cancer-predisposing syndrome. Last evaluated: 2024-08-26. Review status: criteria provided, single submitter. Criteria: Ambry Variant Classification Scheme 2023. Collection method: clinical testing. Allele origin: germline.
Comment: The p.N247I variant (also known as c.740A>T), located in coding exon 6 of the STK11 gene, results from an A to T substitution at nucleotide position 740. The asparagine at codon 247 is replaced by isoleucine, an amino acid with dissimilar properties. This amino acid position is highly conserved in available vertebrate species. In addition, the in silico prediction for this alteration is inconclusive. Since supporting evidence is limited at this time, the clinical significance of this alteration remains unclear.

Labcorp Genetics (formerly Invitae), Labcorp
Classification: Uncertain significance for Peutz-Jeghers syndrome. Last evaluated: 2024-08-05. Review status: criteria provided, single submitter. Criteria: Invitae Variant Classification Sherloc (09022015). Collection method: clinical testing. Allele origin: germline.
Comment: This sequence change replaces asparagine, which is neutral and polar, with isoleucine, which is neutral and non-polar, at codon 247 of the STK11 protein (p.Asn247Ile). This variant is not present in population databases (gnomAD no frequency). This variant has not been reported in the literature in individuals affected with STK11-related conditions. ClinVar contains an entry for this variant (Variation ID: 490168). Advanced modeling of protein sequence and biophysical properties (such as structural, functional, and spatial information, amino acid conservation, physicochemical variation, residue mobility, and thermodynamic stability) performed at Invitae indicates that this missense variant is expected to disrupt STK11 protein function with a positive predictive value of 95%. In summary, the available evidence is currently insufficient to determine the role of this variant in disease. Therefore, it has been classified as a Variant of Uncertain Significance.

Color Diagnostics, LLC DBA Color Health
Classification: Uncertain significance for Hereditary cancer-predisposing syndrome. Last evaluated: 2024-03-06. Review status: criteria provided, single submitter. Criteria: ACMG Guidelines, 2015. Collection method: clinical testing. Allele origin: germline.
Comment: This missense variant replaces asparagine with isoleucine at codon 247 of the STK11 protein. Computational prediction is inconclusive regarding the impact of this variant on protein structure and function (internally defined REVEL score threshold 0.5 < inconclusive < 0.7, PMID: 27666373). Splice site prediction tools suggest that this variant may not impact RNA splicing. To our knowledge, functional studies have not been performed for this variant. This variant has not been reported in individuals affected with hereditary cancer in the literature. This variant has not been identified in the general population by the Genome Aggregation Database (gnomAD). The available evidence is insufficient to determine the role of this variant in disease conclusively. Therefore, this variant is classified as a Variant of Uncertain Significance.

All of Us Research Program, National Institutes of Health
Classification: Uncertain significance for Peutz-Jeghers syndrome. Last evaluated: 2024-01-11. Review status: criteria provided, single submitter. Criteria: ACMG Guidelines, 2015. Collection method: clinical testing. Allele origin: germline. Inheritance: Autosomal dominant inheritance. Observed: 1 variant allele, 1 heterozygote.
Comment: This missense variant replaces asparagine with isoleucine at codon 247 of the STK11 protein. Computational prediction is inconclusive regarding the impact of this variant on protein structure and function (internally defined REVEL score threshold 0.5 < inconclusive < 0.7, PMID: 27666373). Splice site prediction tools suggest that this variant may not impact RNA splicing. To our knowledge, functional studies have not been performed for this variant. This variant has not been reported in individuals affected with hereditary cancer in the literature. This variant has not been identified in the general population by the Genome Aggregation Database (gnomAD). The available evidence is insufficient to determine the role of this variant in disease conclusively. Therefore, this variant is classified as a Variant of Uncertain Significance.

This study involves interpretation of variants in research participants for the purpose of population health screening. Participant phenotype was not available at the time of variant classification. Additional details can be found in publication PMID: 35346344, PMCID: PMC8962531

Genome-Nilou Lab
Classification: Uncertain significance for Peutz-Jeghers syndrome. Last evaluated: 2021-07-15. Review status: criteria provided, single submitter. Criteria: ACMG Guidelines, 2015. Collection method: clinical testing. Allele origin: germline. Affected: no.